The following is an entry in ClinVar:

ClinVar aggregate classification (germline): Uncertain significance. Review status: criteria provided, multiple submitters, no conflicts (2 of 4 stars). 2 submissions from 2 submitters: Uncertain significance (2). Last evaluated 2026-09-01.

Conditions:
RAI1-related disorder. Also called: RAI1-related condition.

Submissions (2):

PreventionGenetics, part of Exact Sciences
Classification: Uncertain significance for RAI1-related condition. Last evaluated: 2026-09-01. Review status: criteria provided, single submitter. Criteria: ACMG Guidelines, 2015. Collection method: clinical testing. Allele origin: germline.
Comment: The RAI1 c.256C>T variant is predicted to result in the amino acid substitution p.Pro86Ser. To our knowledge, this variant has not been reported in the literature or in a large population database, indicating this variant is rare. At this time, the clinical significance of this variant is uncertain due to the absence of conclusive functional and genetic evidence.

Labcorp Genetics (formerly Invitae), Labcorp
Classification: Uncertain significance. Last evaluated: 2024-05-17. Review status: criteria provided, single submitter. Criteria: Invitae Variant Classification Sherloc (09022015). Collection method: clinical testing. Allele origin: germline.
Comment: This sequence change replaces proline, which is neutral and non-polar, with serine, which is neutral and polar, at codon 86 of the RAI1 protein (p.Pro86Ser). This variant is not present in population databases (gnomAD no frequency). This variant has not been reported in the literature in individuals affected with RAI1-related conditions. ClinVar contains an entry for this variant (Variation ID: 1940762). Advanced modeling of protein sequence and biophysical properties (such as structural, functional, and spatial information, amino acid conservation, physicochemical variation, residue mobility, and thermodynamic stability) performed at Invitae indicates that this missense variant is not expected to disrupt RAI1 protein function with a negative predictive value of 80%. In summary, the available evidence is currently insufficient to determine the role of this variant in disease. Therefore, it has been classified as a Variant of Uncertain Significance.

NM_030665.4(RAI1):c.256C>T (p.Pro86Ser)

Gene: RAI1 (retinoic acid induced 1; plus strand). Cytogenetic location: 17p11.2.
Variant type: single nucleotide variant.
Coding change: c.256C>T on transcript NM_030665.4 (MANE Select); coding-DNA position 256, C replaced by T.
Protein change: p.Pro86Ser; replaces proline 86 with serine.
Molecular consequence: missense variant.
Genome position (GRCh38, 1-based): chr17:17,793,204, C>T. VCF-style: chr17-17793204-C-T. GRCh37 (hg19) VCF-style: chr17-17696518-C-T.
Other names: c.256C>T (NM_030665.3); short protein forms P86S.
Identifiers: ClinVar variation 1940762 (VCV001940762.7), dbSNP rs2508567817, ClinGen allele CA398545072.